The following is an entry in ClinVar:

NM_015378.4(VPS13D):c.9849A>G (p.Pro3283=)

Gene: VPS13D (vacuolar protein sorting 13 homolog D; plus strand). Cytogenetic location: 1p36.22.
Variant type: single nucleotide variant.
Coding change: c.9849A>G on transcript NM_015378.4 (MANE Select); coding-DNA position 9849, A replaced by G.
Protein change: p.Pro3283=; no amino-acid change (proline 3283 retained).
Molecular consequence: synonymous variant.
Genome position (GRCh38, 1-based): chr1:12,356,068, A>G. VCF-style: chr1-12356068-A-G. GRCh37 (hg19) VCF-style: chr1-12416125-A-G.
Other names: p.Pro3283=; c.9774A>G, p.Pro3258= (NM_018156.4).
Identifiers: ClinVar variation 1636100 (VCV001636100.10), dbSNP rs58680592, ClinGen allele CA603519.

ClinVar aggregate classification (germline): Likely benign. Review status: criteria provided, multiple submitters, no conflicts (2 of 4 stars). 3 submissions from 3 submitters: Likely benign (3). Last evaluated 2025-01-29.

Allele frequency attached by ClinVar (database versions not stated): gnomAD 0.00001 and 0.00002; gnomAD exomes 0.00003 and 0.00011; TOPMed 0.00005; ExAC 0.00014; 1000 Genomes Project 30x 0.00016; 1000 Genomes Project 0.00020.
gnomAD v4.1: 55 of 1,611,386 alleles (0.0034%); highest among the groups gnomAD compares: East Asian, 0.083%; no homozygotes.

Submissions (3):

Mayo Clinic Laboratories, Mayo Clinic
Classification: Likely benign. Last evaluated: 2025-01-29. Review status: criteria provided, single submitter. Criteria: ACMG Guidelines, 2015. Collection method: clinical testing. Allele origin: germline. Observed: 1 variant allele.
Comment: BS1, BP4, BP7

Labcorp Genetics (formerly Invitae), Labcorp
Classification: Likely benign. Last evaluated: 2023-08-03. Review status: criteria provided, single submitter. Criteria: Invitae Variant Classification Sherloc (09022015). Collection method: clinical testing. Allele origin: germline.

Blueprint Genetics
Classification: Likely benign. Last evaluated: 2021-08-25. Review status: criteria provided, single submitter. Criteria: ACMG Guidelines, 2015. Collection method: clinical testing. Allele origin: germline.